The following is an entry in ClinVar:

ClinVar aggregate classification (germline): Likely benign. Review status: criteria provided, single submitter (1 of 4 stars). 2 submissions from 2 submitters: Likely benign (1). 1 of the submissions does not count toward it. Last evaluated 2022-04-01.

Conditions:
PEG3-related disorder. Also called: PEG3-related condition.

Allele frequency attached by ClinVar (database versions not stated): ESP Exome Variant Server 0.00069; ExAC 0.00121; gnomAD 0.00148; gnomAD exomes 0.00152; 1000 Genomes Project 0.00180; TOPMed 0.00184; 1000 Genomes Project 30x 0.00219.
gnomAD v4.1: 2,448 of 1,613,874 alleles (0.15%); highest among the groups gnomAD compares: Admixed American, 0.37%; 4 homozygotes.

Submissions (2):

CeGaT Center for Human Genetics Tuebingen
Classification: Likely benign. Last evaluated: 2022-04-01. Review status: criteria provided, single submitter. Criteria: CeGaT Center For Human Genetics Tuebingen Variant Classification Criteria Version 2. Collection method: clinical testing. Allele origin: germline. Affected: yes. Observed: 1 variant allele.
Comment: PEG3: BP4

PreventionGenetics, part of Exact Sciences
Classification: Likely benign for PEG3-related condition. Last evaluated: 2020-08-24. Review status: no assertion criteria provided. Collection method: clinical testing. Allele origin: germline. Not counted in ClinVar's aggregate classification.
Comment: This variant is classified as likely benign based on ACMG/AMP sequence variant interpretation guidelines (Richards et al. 2015 PMID: 25741868, with internal and published modifications).

NM_006210.3(PEG3):c.3310G>A (p.Asp1104Asn)

Genes: PEG3 (paternally expressed 3; minus strand), ZIM2 (zinc finger imprinted 2; minus strand). Cytogenetic location: 19q13.43.
Variant type: single nucleotide variant.
Coding change: c.3310G>A on transcript NM_006210.3 (MANE Select); coding-DNA position 3310, G replaced by A.
Protein change: p.Asp1104Asn; replaces aspartic acid 1104 with asparagine.
Molecular consequence: missense variant. On other transcripts: intron variant (11).
Genome position (GRCh38, 1-based): chr19:56,815,132, C>T on the plus strand (G>A on the coding strand, the complement: PEG3 is on the minus strand). VCF-style: chr19-56815132-C-T. GRCh37 (hg19) VCF-style: chr19-57326500-C-T.
Other names: NM_001146186.1:c.3310G>A; c.3310G>A, p.Asp1104Asn (NM_001146184.2); c.2932G>A, p.Asp978Asn (NM_001146185.2); c.2938G>A, p.Asp980Asn (NM_001146187.2, NM_001369720.1, NM_001369721.1 and 13 more transcripts); c.3316G>A, p.Asp1106Asn (NM_001369717.1, NM_001369718.1); c.3223G>A, p.Asp1075Asn (NM_001369719.1); c.397+3468G>A (NM_001146327.2, NM_001369772.1, NM_001387357.1 and 5 more transcripts); c.490+2614G>A (NM_001369773.1, NM_001387356.1, NM_001369774.1); and 1 more; short protein forms D1075N, D1104N, D1106N, D949N, D978N, D980N.
Identifiers: ClinVar variation 2650566 (VCV002650566.25), dbSNP rs141092213, ClinGen allele CA9693263.